The following is an entry in ClinVar:

NM_020702.5(MYORG):c.1157G>C (p.Arg386Pro)

Gene: MYORG (myogenesis regulating glycosidase; minus strand). Cytogenetic location: 9p13.3.
Variant type: single nucleotide variant.
Coding change: c.1157G>C on transcript NM_020702.5 (MANE Select); coding-DNA position 1157, G replaced by C.
Protein change: p.Arg386Pro; replaces arginine 386 with proline.
Molecular consequence: missense variant.
Genome position (GRCh38, 1-based): chr9:34,371,787, C>G on the plus strand (G>C on the coding strand, the complement: MYORG is on the minus strand). VCF-style: chr9-34371787-C-G. GRCh37 (hg19) VCF-style: chr9-34371785-C-G.
Other names: short protein forms R386P.
Identifiers: ClinVar variation 1681304 (VCV001681304.4), dbSNP rs751509844, ClinGen allele CA5032977.
Genomic context (GRCh38, chr9:34,371,787, plus strand): 5'-ACGCCCTCGCCGAAGCGCGACGAGTTGTAGTTGACAAAAGGGTGCACCCAGAGCGTGACG[C>G]GGAAGCCGGCGTCGCGCAGGCGGCGGAACATGTCGCTGGCGTTGGGGAATTTGACCTCAT-3'
Protein context (NP_065753.2, residues 376-396): MFRRLRDAGF[Arg386Pro]VTLWVHPFVN

ClinVar aggregate classification (germline): Uncertain significance (1 of 4 stars; one submission).

Allele frequency attached by ClinVar (database versions not stated): gnomAD 0.00001; TOPMed 0.00002.

Submission:

Labcorp Genetics (formerly Invitae), Labcorp
Classification: Uncertain significance. Last evaluated: 2021-11-13. Review status: criteria provided, single submitter. Criteria: Invitae Variant Classification Sherloc (09022015). Collection method: clinical testing. Allele origin: germline.
Comment: In summary, the available evidence is currently insufficient to determine the role of this variant in disease. Therefore, it has been classified as a Variant of Uncertain Significance. This sequence change replaces arginine, which is basic and polar, with proline, which is neutral and non-polar, at codon 386 of the KIAA1161 protein (p.Arg386Pro). This variant is present in population databases (rs751509844, gnomAD 0.004%). This variant has not been reported in the literature in individuals affected with KIAA1161-related conditions. Algorithms developed to predict the effect of missense changes on protein structure and function are either unavailable or do not agree on the potential impact of this missense change (SIFT: "Tolerated"; PolyPhen-2: "Not Available"; Align-GVGD: "Class C0").